The following is an entry in ClinVar:

ClinVar aggregate classification (germline): Likely benign. Review status: criteria provided, multiple submitters, no conflicts (2 of 4 stars). 4 submissions from 4 submitters: Likely benign (4). Last evaluated 2025-10-17.

Conditions:
Dilated cardiomyopathy 1G (CMD1G). Identifiers: Orphanet 154, MedGen C1858763, MONDO:0011400, OMIM 604145.
Autosomal recessive limb-girdle muscular dystrophy type 2J (LGMDR10). Also called: Limb-girdle muscular dystrophy, type 2J; MUSCULAR DYSTROPHY, LIMB-GIRDLE, AUTOSOMAL RECESSIVE 10. Identifiers: Orphanet 140922, MedGen C1837342, MONDO:0012127, OMIM 608807.

Allele frequency attached by ClinVar (database versions not stated): ExAC 0.00002; gnomAD exomes 0.00003; TOPMed 0.00006; gnomAD 0.00008 and 0.00009.
gnomAD v4.1: 142 of 1,609,824 alleles (0.0088%); highest among the groups gnomAD compares: Non-Finnish European, 0.012%; no homozygotes.

Submissions (4):

Labcorp Genetics (formerly Invitae), Labcorp
Classification: Likely benign for Dilated cardiomyopathy 1G; Autosomal recessive limb-girdle muscular dystrophy type 2J. Last evaluated: 2025-10-17. Review status: criteria provided, single submitter. Criteria: Invitae Variant Classification Sherloc (09022015). Collection method: clinical testing. Allele origin: germline.

ARUP Laboratories, Molecular Genetics and Genomics, ARUP Laboratories
Classification: Likely benign. Last evaluated: 2024-07-17. Review status: criteria provided, single submitter. Criteria: ARUP Molecular Germline Variant Investigation Process 2024. Collection method: clinical testing. Allele origin: germline.

Women's Health and Genetics/Laboratory Corporation of America, LabCorp
Classification: Likely benign. Last evaluated: 2023-09-27. Review status: criteria provided, single submitter. Criteria: LabCorp Variant Classification Summary - May 2015. Collection method: clinical testing. Allele origin: germline.

GeneDx
Classification: Likely benign. Last evaluated: 2018-01-10. Review status: criteria provided, single submitter. Criteria: GeneDx Variant Classification (06012015). Collection method: clinical testing. Allele origin: germline. Affected: yes.
Comment: This variant is considered likely benign or benign based on one or more of the following criteria: it is a conservative change, it occurs at a poorly conserved position in the protein, it is predicted to be benign by multiple in silico algorithms, and/or has population frequency not consistent with disease.

NM_001267550.2(TTN):c.27328+14C>T

Gene: TTN (titin; minus strand). Cytogenetic location: 2q31.2.
Variant type: single nucleotide variant.
Coding change: c.27328+14C>T on transcript NM_001267550.2 (MANE Select); 14 bases into the intron after coding-DNA position 27328, C replaced by T.
Molecular consequence: intron variant.
Genome position (GRCh38, 1-based): chr2:178,712,683, G>A on the plus strand (C>T on the coding strand, the complement: TTN is on the minus strand). VCF-style: chr2-178712683-G-A. GRCh37 (hg19) VCF-style: chr2-179577410-G-A.
Other names: c.13282+25399C>T (NM_003319.4); c.13858+25399C>T (NM_133437.4); c.13657+25399C>T (NM_133432.3); c.23596+14C>T (NM_133378.4); c.26377+14C>T (NM_001256850.1).
Identifiers: ClinVar variation 516954 (VCV000516954.11), dbSNP rs781624389, ClinGen allele CA1999831.